The following is an entry in ClinVar:

ClinVar aggregate classification (germline): Uncertain significance. Review status: criteria provided, multiple submitters, no conflicts (2 of 4 stars). 2 submissions from 2 submitters: Uncertain significance (2). Last evaluated 2024-02-17.

Allele frequency attached by ClinVar (database versions not stated): TOPMed below 0.00001.

Submissions (2):

Labcorp Genetics (formerly Invitae), Labcorp
Classification: Uncertain significance. Last evaluated: 2024-02-17. Review status: criteria provided, single submitter. Criteria: Invitae Variant Classification Sherloc (09022015). Collection method: clinical testing. Allele origin: germline.
Comment: This sequence change replaces leucine, which is neutral and non-polar, with proline, which is neutral and non-polar, at codon 374 of the HYOU1 protein (p.Leu374Pro). This variant is not present in population databases (gnomAD no frequency). This variant has not been reported in the literature in individuals affected with HYOU1-related conditions. ClinVar contains an entry for this variant (Variation ID: 1480674). An algorithm developed to predict the effect of missense changes on protein structure and function (PolyPhen-2) suggests that this variant is likely to be tolerated. In summary, the available evidence is currently insufficient to determine the role of this variant in disease. Therefore, it has been classified as a Variant of Uncertain Significance.

Blueprint Genetics
Classification: Uncertain significance. Last evaluated: 2021-03-11. Review status: criteria provided, single submitter. Criteria: ACMG Guidelines, 2015. Collection method: clinical testing. Allele origin: germline.

NM_006389.5(HYOU1):c.1121T>C (p.Leu374Pro)

Gene: HYOU1 (hypoxia up-regulated 1; minus strand). Cytogenetic location: 11q23.3.
Variant type: single nucleotide variant.
Coding change: c.1121T>C on transcript NM_006389.5 (MANE Select); coding-DNA position 1121, T replaced by C.
Protein change: p.Leu374Pro; replaces leucine 374 with proline.
Molecular consequence: missense variant.
Genome position (GRCh38, 1-based): chr11:119,052,296, A>G on the plus strand (T>C on the coding strand, the complement: HYOU1 is on the minus strand). VCF-style: chr11-119052296-A-G. GRCh37 (hg19) VCF-style: chr11-118923008-A-G.
Other names: c.1121T>C, p.Leu374Pro (NM_001130991.3); short protein forms L374P.
Identifiers: ClinVar variation 1480674 (VCV001480674.7), dbSNP rs1944490812, ClinGen allele CA382941900.